The following is an entry in ClinVar:

ClinVar aggregate classification (germline): Likely benign. Review status: criteria provided, multiple submitters, no conflicts (2 of 4 stars). 2 submissions from 2 submitters: Likely benign (2). Last evaluated 2026-03-04.

Conditions:
KIF1A-related disorder. Also called: KIF1A-related disorders; KIF1A-related condition.
Hereditary spastic paraplegia 30. Identifiers: Orphanet 101010, MedGen C5235139, MONDO:0012476.
Intellectual disability, autosomal dominant 9 (NESCAVS). Also called: NESCAV SYNDROME; KIF1A-Related Neurodevelopmental Disorder. Identifiers: Orphanet 662367, MedGen C5393830, MONDO:0013656, OMIM 614255.
Neuropathy, hereditary sensory, type 2C. Also called: Hereditary sensory and autonomic neuropathy type IIC; KIF1A-Related HSAN2 (HSAN2C). Identifiers: Orphanet 970, MedGen C3280168, MONDO:0013634, OMIM 614213.

Allele frequency attached by ClinVar (database versions not stated): gnomAD 0.00004 and 0.00003; TOPMed 0.00004; gnomAD exomes 0.00001.
gnomAD v4.1: 64 of 1,581,212 alleles (0.004%); highest among the groups gnomAD compares: Non-Finnish European, 0.0051%; no homozygotes.

Submissions (2):

PreventionGenetics, part of Exact Sciences
Classification: Likely benign for KIF1A-related condition. Last evaluated: 2026-03-04. Review status: criteria provided, single submitter. Criteria: ACMG Guidelines, 2015. Collection method: clinical testing. Allele origin: germline.
Comment: This variant is classified as likely benign based on ACMG/AMP sequence variant interpretation guidelines (Richards et al. 2015 PMID: 25741868, with internal and published modifications).

Labcorp Genetics (formerly Invitae), Labcorp
Classification: Likely benign for Hereditary spastic paraplegia 30; Neuropathy, hereditary sensory, type 2C; Intellectual disability, autosomal dominant 9. Last evaluated: 2025-11-09. Review status: criteria provided, single submitter. Criteria: Invitae Variant Classification Sherloc (09022015). Collection method: clinical testing. Allele origin: germline.

NM_001244008.2(KIF1A):c.1953C>T (p.Leu651=)

Gene: KIF1A (kinesin family member 1A; minus strand). Cytogenetic location: 2q37.3.
Variant type: single nucleotide variant.
Coding change: c.1953C>T on transcript NM_001244008.2 (MANE Select); coding-DNA position 1953, C replaced by T.
Protein change: p.Leu651=; no amino-acid change (leucine 651 retained).
Molecular consequence: synonymous variant.
Genome position (GRCh38, 1-based): chr2:240,763,088, G>A on the plus strand (C>T on the coding strand, the complement: KIF1A is on the minus strand). VCF-style: chr2-240763088-G-A. GRCh37 (hg19) VCF-style: chr2-241702505-G-A.
Other names: c.1953C>T (NM_001244008.1); c.1953C>T, p.Leu651= (NM_001320705.2, NM_001330289.2, NM_001379638.1); c.2028C>T, p.Leu676= (NM_001330290.2, NM_001379631.1, NM_001379634.1 and 2 more transcripts); c.1926C>T, p.Leu642= (NM_001379632.1, NM_001379633.1, NM_001379636.1 and 10 more transcripts); c.2001C>T, p.Leu667= (NM_001379637.1, NM_001379648.1).
Identifiers: ClinVar variation 783154 (VCV000783154.12), dbSNP rs913726558, ClinGen allele CA68173125.